The following is an entry in ClinVar:

NM_001044.5(SLC6A3):c.280G>A (p.Gly94Ser)

Gene: SLC6A3 (solute carrier family 6 member 3). Cytogenetic location: 5p15.33.
Variant type: single nucleotide variant.
Coding change: c.280G>A on transcript NM_001044.5 (MANE Select); coding-DNA position 280, G replaced by A.
Protein change: p.Gly94Ser; replaces glycine 94 with serine.
Molecular consequence: missense variant.
Genome position (GRCh38, 1-based): chr5:1,442,918, C>T on the plus strand (G>A on the coding strand, the complement: SLC6A3 is on the minus strand). VCF-style: chr5-1442918-C-T. GRCh37 (hg19) VCF-style: chr5-1443033-C-T.
Other names: short protein forms G94S.
Identifiers: ClinVar variation 2430773 (VCV002430773.1), dbSNP rs2477428101, ClinGen allele CA359063949.

ClinVar aggregate classification (germline): Uncertain significance (1 of 4 stars; one submission).

Submission:

GeneDx
Classification: Uncertain significance. Last evaluated: 2022-08-23. Review status: criteria provided, single submitter. Criteria: GeneDx Variant Classification Process June 2021. Collection method: clinical testing. Allele origin: germline. Affected: yes.
Comment: Not observed at significant frequency in large population cohorts (gnomAD); In silico analysis supports that this missense variant has a deleterious effect on protein structure/function; Has not been previously published as pathogenic or benign to our knowledge